The following is an entry in ClinVar:

NM_004415.4(DSP):c.5984T>C (p.Leu1995Ser)

Gene: DSP (desmoplakin; plus strand). Cytogenetic location: 6p24.3.
Variant type: single nucleotide variant.
Coding change: c.5984T>C on transcript NM_004415.4 (MANE Select); coding-DNA position 5984, T replaced by C.
Protein change: p.Leu1995Ser; replaces leucine 1995 with serine.
Molecular consequence: missense variant.
Genome position (GRCh38, 1-based): chr6:7,583,246, T>C. VCF-style: chr6-7583246-T-C. GRCh37 (hg19) VCF-style: chr6-7583479-T-C.
Other names: p.L1995S:TTG>TCG; c.5984T>C (LRG_423t1); c.4187T>C, p.Leu1396Ser (NM_001008844.3); c.4655T>C, p.Leu1552Ser (NM_001319034.2); short protein forms L1995S, L1396S, L1552S.
Identifiers: ClinVar variation 199897 (VCV000199897.19), dbSNP rs794728128, ClinGen allele CA006678.

ClinVar aggregate classification (germline): Uncertain significance. Review status: criteria provided, multiple submitters, no conflicts (2 of 4 stars). 5 submissions from 5 submitters: Uncertain significance (5). Last evaluated 2025-10-19.

Conditions:
Cardiovascular phenotype. Identifiers: MedGen CN230736.
Cardiomyopathy (CMYO). Also called: Cardiomyopathies. Identifiers: Orphanet 167848, MedGen C0878544, MONDO:0004994, HP:0001638. Inheritance: Various modes of inheritance.
Arrhythmogenic cardiomyopathy with wooly hair and keratoderma. Also called: Carvajal syndrome; Dilated cardiomyopathy with woolly hair and keratoderma; Arrhythmogenic cardiomyopathy with woolly hair and keratoderma; PALMOPLANTAR KERATODERMA WITH LEFT VENTRICULAR CARDIOMYOPATHY AND WOOLLY HAIR. Identifiers: Orphanet 65282, MedGen C1854063, MONDO:0011581, OMIM 605676.
Arrhythmogenic right ventricular dysplasia 8 (ARVD8). Also called: Arrhythmogenic Right Ventricular Dysplasia/Cardiomyopathy 8; ARRHYTHMOGENIC RIGHT VENTRICULAR CARDIOMYOPATHY 8; ARRHYTHMOGENIC RIGHT VENTRICULAR DYSPLASIA, FAMILIAL, 8. Identifiers: MedGen C1843896, MONDO:0011831, OMIM 607450.

Allele frequency attached by ClinVar (database versions not stated): gnomAD 0.00001; gnomAD exomes 0.00001; TOPMed 0.00001.
gnomAD v4.1: 12 of 1,613,982 alleles (0.00074%); highest among the groups gnomAD compares: Non-Finnish European, 0.00093%; no homozygotes.

Submissions (5):

Labcorp Genetics (formerly Invitae), Labcorp
Classification: Uncertain significance for Arrhythmogenic cardiomyopathy with wooly hair and keratoderma; Arrhythmogenic right ventricular dysplasia 8. Last evaluated: 2025-10-19. Review status: criteria provided, single submitter. Criteria: Invitae Variant Classification Sherloc (09022015). Collection method: clinical testing. Allele origin: germline.
Comment: This sequence change replaces leucine, which is neutral and non-polar, with serine, which is neutral and polar, at codon 1995 of the DSP protein (p.Leu1995Ser). This variant is not present in population databases (gnomAD no frequency). This missense change has been observed in individual(s) with an arrhythmogenic disorder (PMID: 31737537). ClinVar contains an entry for this variant (Variation ID: 199897). An algorithm developed to predict the effect of missense changes on protein structure and function (PolyPhen-2) suggests that this variant is likely to be tolerated. In summary, the available evidence is currently insufficient to determine the role of this variant in disease. Therefore, it has been classified as a Variant of Uncertain Significance.

Color Diagnostics, LLC DBA Color Health
Classification: Uncertain significance for Cardiomyopathy. Last evaluated: 2025-07-22. Review status: criteria provided, single submitter. Criteria: ACMG Guidelines, 2015. Collection method: clinical testing. Allele origin: germline.
Comment: This missense variant replaces leucine with serine at codon 1995 of the DSP protein. Computational prediction suggests that this variant may not impact protein structure and function. To our knowledge, functional studies have not been reported for this variant. This variant has been reported in an individual affected with arrhythmogenic right ventricular cardiomyopathy (PMID: 31737537) and in an individual affected with sudden unexplained death (PMID: 29016939). This variant has not been identified in the general population by the Genome Aggregation Database (gnomAD). The available evidence is insufficient to determine the role of this variant in disease conclusively. Therefore, this variant is classified as a Variant of Uncertain Significance.

All of Us Research Program, National Institutes of Health
Classification: Uncertain significance for Arrhythmogenic cardiomyopathy with wooly hair and keratoderma. Last evaluated: 2023-10-02. Review status: criteria provided, single submitter. Criteria: ACMG Guidelines, 2015. Collection method: clinical testing. Allele origin: germline. Inheritance: Autosomal dominant inheritance. Observed: 3 variant alleles, 3 heterozygotes.
Comment: This missense variant replaces leucine with serine at codon 1995 of the DSP protein. Computational prediction suggests that this variant may not impact protein structure and function (internally defined REVEL score threshold <= 0.5, PMID: 27666373). To our knowledge, functional studies have not been reported for this variant. This variant has been reported in an individual affected with arrhythmogenic right ventricular cardiomyopathy (PMID: 31737537) and sudden unexplained death (PMID: 29016939). This variant has not been identified in the general population by the Genome Aggregation Database (gnomAD). The available evidence is insufficient to determine the role of this variant in disease conclusively. Therefore, this variant is classified as a Variant of Uncertain Significance.

This study involves interpretation of variants in research participants for the purpose of population health screening. Participant phenotype was not available at the time of variant classification. Additional details can be found in publication PMID: 35346344, PMCID: PMC8962531

Ambry Genetics
Classification: Uncertain significance for Cardiovascular phenotype. Last evaluated: 2022-07-28. Review status: criteria provided, single submitter. Criteria: Ambry Variant Classification Scheme 2023. Collection method: clinical testing. Allele origin: germline.
Comment: The p.L1995S variant (also known as c.5984T>C), located in coding exon 24 of the DSP gene, results from a T to C substitution at nucleotide position 5984. The leucine at codon 1995 is replaced by serine, an amino acid with dissimilar properties. This alteration has been reported in a sudden unexplained death cohort, as well as an arrhythmogenic right ventricular cardiomyopathy (ARVC) cohort (Hellenthal N et al. Europace, 2017 Nov;19:1881-1890; Marschall C et al. Cardiovasc Diagn Ther, 2019 Oct;9:S292-S298). This amino acid position is well conserved in available vertebrate species. In addition, this alteration is predicted to be tolerated by in silico analysis. Since supporting evidence is limited at this time, the clinical significance of this alteration remains unclear.

GeneDx
Classification: Uncertain significance. Last evaluated: 2020-12-29. Review status: criteria provided, single submitter. Criteria: GeneDx Variant Classification Process June 2021. Collection method: clinical testing. Allele origin: germline. Affected: yes.
Comment: Reported in a patient with sudden cardiac death who also harbored a splice site variant in the TNNT2 gene (Hellenthal et al., 2017); Reported in ClinVar as a variant of uncertain significance (ClinVar Variant ID# 199897; Landrum et al., 2016); Not observed in large population cohorts (Lek et al., 2016); In silico analysis supports that this missense variant does not alter protein structure/function; This variant is associated with the following publications: (PMID: 29016939, 31737537)

Literature cited by the submitters: PubMed 31737537 (cited by 4 submitters); PubMed 29016939 (cited by 3 submitters).